The following is an entry in ClinVar:

ClinVar aggregate classification (germline): Uncertain significance (0 of 4 stars; one submission).

Conditions:
SEMA3G-related disorder. Also called: SEMA3G-related condition.

gnomAD v4.1: 14 of 1,613,992 alleles (0.00087%); highest among the groups gnomAD compares: South Asian, 0.0011%; no homozygotes.

Submission:

PreventionGenetics, part of Exact Sciences
Classification: Uncertain significance for SEMA3G-related condition. Last evaluated: 2023-12-20. Review status: no assertion criteria provided. Collection method: clinical testing. Allele origin: germline.
Comment: The SEMA3G c.2114C>T variant is predicted to result in the amino acid substitution p.Ala705Val. To our knowledge, this variant has not been reported in the literature. This variant is reported in 0.0033% of alleles in individuals of South Asian descent in gnomAD. At this time, the clinical significance of this variant is uncertain due to the absence of conclusive functional and genetic evidence.

NM_020163.3(SEMA3G):c.2114C>T (p.Ala705Val)

Gene: SEMA3G (semaphorin 3G; minus strand). Cytogenetic location: 3p21.1.
Variant type: single nucleotide variant.
Coding change: c.2114C>T on transcript NM_020163.3 (MANE Select); coding-DNA position 2114, C replaced by T.
Protein change: p.Ala705Val; replaces alanine 705 with valine.
Molecular consequence: missense variant.
Genome position (GRCh38, 1-based): chr3:52,435,838, G>A on the plus strand (C>T on the coding strand, the complement: SEMA3G is on the minus strand). VCF-style: chr3-52435838-G-A. GRCh37 (hg19) VCF-style: chr3-52469854-G-A.
Other names: short protein forms A705V.
Identifiers: ClinVar variation 3357306 (VCV003357306.1).